The following is an entry in ClinVar:

NM_001384732.1(CPLANE1):c.6268G>A (p.Val2090Met)

Gene: CPLANE1 (ciliogenesis and planar polarity effector complex subunit 1; minus strand). Cytogenetic location: 5p13.2.
Variant type: single nucleotide variant.
Coding change: c.6268G>A on transcript NM_001384732.1 (MANE Select); coding-DNA position 6268, G replaced by A.
Protein change: p.Val2090Met; replaces valine 2090 with methionine.
Molecular consequence: missense variant.
Genome position (GRCh38, 1-based): chr5:37,170,235, C>T on the plus strand (G>A on the coding strand, the complement: CPLANE1 is on the minus strand). VCF-style: chr5-37170235-C-T. GRCh37 (hg19) VCF-style: chr5-37170337-C-T.
Other names: c.6268G>A, p.Val2090Met (NM_023073.4); short protein forms V2090M.
Identifiers: ClinVar variation 569664 (VCV000569664.10), dbSNP rs1561482827, ClinGen allele CA359482439.

ClinVar aggregate classification (germline): Uncertain significance (1 of 4 stars; one submission).

Submission:

Labcorp Genetics (formerly Invitae), Labcorp
Classification: Uncertain significance. Last evaluated: 2018-05-18. Review status: criteria provided, single submitter. Criteria: Invitae Variant Classification Sherloc (09022015). Collection method: clinical testing. Allele origin: germline.
Comment: This sequence change replaces valine with methionine at codon 2090 of the C5orf42 protein (p.Val2090Met). The valine residue is moderately conserved and there is a small physicochemical difference between valine and methionine. This variant is not present in population databases (ExAC no frequency). This variant has not been reported in the literature in individuals with C5orf42-related disease. Algorithms developed to predict the effect of missense changes on protein structure and function output the following: SIFT: "Tolerated"; PolyPhen-2: "Benign"; Align-GVGD: "Class C0". The methionine amino acid residue is found in multiple mammalian species, suggesting that this missense change does not adversely affect protein function. These predictions have not been confirmed by published functional studies and their clinical significance is uncertain. In summary, the available evidence is currently insufficient to determine the role of this variant in disease. Therefore, it has been classified as a Variant of Uncertain Significance.